The following is an entry in ClinVar:

ClinVar aggregate classification (germline): Uncertain significance (1 of 4 stars; one submission).

Submission:

Labcorp Genetics (formerly Invitae), Labcorp
Classification: Uncertain significance. Last evaluated: 2025-10-27. Review status: criteria provided, single submitter. Criteria: Invitae Variant Classification Sherloc (09022015). Collection method: clinical testing. Allele origin: germline.
Comment: This sequence change affects codon 359 of the THBD mRNA. It is a 'silent' change, meaning that it does not change the encoded amino acid sequence of the THBD protein. This variant is not present in population databases (gnomAD no frequency). This variant has not been reported in the literature in individuals affected with THBD-related conditions. In summary, the available evidence is currently insufficient to determine the role of this variant in disease. Therefore, it has been classified as a Variant of Uncertain Significance.

NM_000361.3(THBD):c.1077C>T (p.Asp359=)

Gene: THBD (thrombomodulin; minus strand). Cytogenetic location: 20p11.21.
Variant type: single nucleotide variant.
Coding change: c.1077C>T on transcript NM_000361.3 (MANE Select); coding-DNA position 1077, C replaced by T.
Protein change: p.Asp359=; no amino-acid change (aspartic acid 359 retained).
Molecular consequence: synonymous variant.
Genome position (GRCh38, 1-based): chr20:23,048,428, G>A on the plus strand (C>T on the coding strand, the complement: THBD is on the minus strand). VCF-style: chr20-23048428-G-A. GRCh37 (hg19) VCF-style: chr20-23029065-G-A.
Identifiers: ClinVar variation 4766203 (VCV004766203.1).
Genomic context (GRCh38, chr20:23,048,428, plus strand): 5'-CTGGCACTGGTACTCGCAGTTGGCTCTGAAGCACGGGTCCACGGGCTCCACACACTCGCC[G>A]TCCACCAGGTCGTAGTTAGGGTAGCAGTGGCACTCGAAGCCACCCTGTGTGTTGACACAG-3'
Protein context (NP_000352.1, residues 349-369): CHCYPNYDLV[Asp359=]GECVEPVDPC